The following is an entry in ClinVar:

NM_004415.2(DSP):c.-538G>C

Genes: DSP (desmoplakin; plus strand), DSP-AS1 (DSP antisense RNA 1; minus strand). Cytogenetic location: 6p24.3.
Variant type: single nucleotide variant.
Coding change: c.-538G>C on transcript NM_004415.2; 538 bases upstream of the start codon, G replaced by C.
Molecular consequence: non-coding transcript variant (on NR_183327.1).
Genome position (GRCh38, 1-based): chr6:7,541,378, G>C. VCF-style: chr6-7541378-G-C. GRCh37 (hg19) VCF-style: chr6-7541611-G-C.
Identifiers: ClinVar variation 683473 (VCV000683473.3), dbSNP rs2076298, ClinGen allele CA16253190.

ClinVar aggregate classification (germline): Benign (1 of 4 stars; one submission).

Allele frequency attached by ClinVar (database versions not stated): gnomAD 0.55297 and 0.56222; gnomAD exomes 0.46124; 1000 Genomes Project 0.51498; 1000 Genomes Project 30x 0.52951; TOPMed 0.56305.

Submission:

GeneDx
Classification: Benign. Last evaluated: 2018-06-18. Review status: criteria provided, single submitter. Criteria: GeneDx Variant Classification (06012015). Collection method: clinical testing. Allele origin: germline. Affected: yes.
Comment: This variant is considered likely benign or benign based on one or more of the following criteria: it is a conservative change, it occurs at a poorly conserved position in the protein, it is predicted to be benign by multiple in silico algorithms, and/or has population frequency not consistent with disease.